The following is an entry in ClinVar:

ClinVar aggregate classification (germline): Benign/Likely benign. Review status: criteria provided, multiple submitters, no conflicts (2 of 4 stars). 3 submissions from 3 submitters: Benign (1); Likely benign (2). Last evaluated 2026-05-21.

Conditions:
Hereditary cancer-predisposing syndrome. Also called: Hereditary Cancer Syndrome; Hereditary neoplastic syndrome; Neoplastic Syndromes, Hereditary; Tumor predisposition. Identifiers: Orphanet 140162, MedGen C0027672, MeSH D009386, MONDO:0015356.
Cardiovascular phenotype. Identifiers: MedGen CN230736.
Neurofibromatosis, type 1 (NF1). Also called: Neurofibromatosis, type I; VON RECKLINGHAUSEN DISEASE; NEUROFIBROMATOSIS, TYPE I, SOMATIC; Peripheral type neurofibromatosis. Identifiers: Orphanet 636, MedGen C0027831, MONDO:0018975, OMIM 162200. Disease mechanism: loss of function.

Allele frequency attached by ClinVar (database versions not stated): gnomAD exomes below 0.00001.
gnomAD v4.1: 4 of 1,613,670 alleles (0.00025%); highest among the groups gnomAD compares: African/African-American, 0.0013%; no homozygotes.

Submissions (3):

Myriad Genetics, Inc.
Classification: Benign for Neurofibromatosis, type 1. Last evaluated: 2026-05-21. Review status: criteria provided, single submitter. Criteria: Myriad Autosomal Dominant, Autosomal Recessive and X-Linked Classification Criteria (2023). Collection method: clinical testing. Allele origin: unknown.
Comment: This variant is considered benign. This variant is a silent/synonymous amino acid change and it is not expected to impact splicing.

Labcorp Genetics (formerly Invitae), Labcorp
Classification: Likely benign for Neurofibromatosis, type 1. Last evaluated: 2025-12-02. Review status: criteria provided, single submitter. Criteria: Invitae Variant Classification Sherloc (09022015). Collection method: clinical testing. Allele origin: germline.

Ambry Genetics
Classification: Likely benign for Cardiovascular phenotype; Hereditary cancer-predisposing syndrome. Last evaluated: 2020-04-12. Review status: criteria provided, single submitter. Criteria: Ambry Variant Classification Scheme 2023. Collection method: clinical testing. Allele origin: germline.

NM_001042492.3(NF1):c.6183A>G (p.Thr2061=)

Gene: NF1 (neurofibromin 1; plus strand). Cytogenetic location: 17q11.2.
Variant type: single nucleotide variant.
Coding change: c.6183A>G on transcript NM_001042492.3 (MANE Select); coding-DNA position 6183, A replaced by G.
Protein change: p.Thr2061=; no amino-acid change (threonine 2061 retained).
Molecular consequence: synonymous variant.
Genome position (GRCh38, 1-based): chr17:31,336,670, A>G. VCF-style: chr17-31336670-A-G. GRCh37 (hg19) VCF-style: chr17-29663688-A-G.
Other names: c.6120A>G, p.Thr2040= (NM_000267.4).
Identifiers: ClinVar variation 706834 (VCV000706834.13), dbSNP rs1225702258, ClinGen allele CA499446204.